The following is an entry in ClinVar:

ClinVar aggregate classification (germline): Uncertain significance. Review status: criteria provided, multiple submitters, no conflicts (2 of 4 stars). 3 submissions from 3 submitters: Uncertain significance (3). Last evaluated 2025-09-25.

Conditions:
Inborn genetic diseases. Identifiers: MedGen C0950123, MeSH D030342.

Allele frequency attached by ClinVar (database versions not stated): gnomAD exomes 0.00001; TOPMed below 0.00001.
gnomAD v4.1: 11 of 1,614,150 alleles (0.00068%); highest among the groups gnomAD compares: African/African-American, 0.0027%; no homozygotes.

Submissions (3):

Ambry Genetics
Classification: Uncertain significance for Inborn genetic diseases. Last evaluated: 2025-09-25. Review status: criteria provided, single submitter. Criteria: Ambry Variant Classification Scheme 2023. Collection method: clinical testing. Allele origin: germline.

GeneDx
Classification: Uncertain significance. Last evaluated: 2023-09-19. Review status: criteria provided, single submitter. Criteria: GeneDx Variant Classification Process June 2021. Collection method: clinical testing. Allele origin: germline. Affected: yes.
Comment: Not observed at significant frequency in large population cohorts (gnomAD); In silico analysis supports that this missense variant does not alter protein structure/function; Has not been previously published as pathogenic or benign to our knowledge

Labcorp Genetics (formerly Invitae), Labcorp
Classification: Uncertain significance. Last evaluated: 2023-08-30. Review status: criteria provided, single submitter. Criteria: Invitae Variant Classification Sherloc (09022015). Collection method: clinical testing. Allele origin: germline.
Comment: In summary, the available evidence is currently insufficient to determine the role of this variant in disease. Therefore, it has been classified as a Variant of Uncertain Significance. Algorithms developed to predict the effect of sequence changes on RNA splicing suggest that this variant may disrupt the consensus splice site. Advanced modeling of protein sequence and biophysical properties (such as structural, functional, and spatial information, amino acid conservation, physicochemical variation, residue mobility, and thermodynamic stability) performed at Invitae indicates that this missense variant is not expected to disrupt MTPAP protein function. This variant has not been reported in the literature in individuals affected with MTPAP-related conditions. This variant is not present in population databases (gnomAD no frequency). This sequence change replaces valine, which is neutral and non-polar, with isoleucine, which is neutral and non-polar, at codon 490 of the MTPAP protein (p.Val490Ile).

NM_018109.4(MTPAP):c.1468G>A (p.Val490Ile)

Gene: MTPAP (mitochondrial poly(A) polymerase; minus strand). Cytogenetic location: 10p11.23.
Variant type: single nucleotide variant.
Coding change: c.1468G>A on transcript NM_018109.4 (MANE Select); coding-DNA position 1468, G replaced by A.
Protein change: p.Val490Ile; replaces valine 490 with isoleucine.
Molecular consequence: missense variant.
Genome position (GRCh38, 1-based): chr10:30,313,890, C>T on the plus strand (G>A on the coding strand, the complement: MTPAP is on the minus strand). VCF-style: chr10-30313890-C-T. GRCh37 (hg19) VCF-style: chr10-30602819-C-T.
Other names: c.1468G>A (NM_018109.3); short protein forms V490I.
Identifiers: ClinVar variation 2796663 (VCV002796663.3), dbSNP rs1057518710, ClinGen allele CA376434706.
Genomic context (GRCh38, chr10:30,313,890, plus strand): 5'-GTAAAATCCAGGCACTTTCTCGGGCCAAATCTACAAATTTTTGCAGCTGGCTTTGACTTA[C>T]ATTTTTGCTTATGTTGAGAGAAGTTTCAAATGGATTCTGAATGTACAGAGGAGAAGAATC-3'
Protein context (NP_060579.3, residues 480-500): FETSLNISKN[Val490Ile]SQSQLQKFVD